The following is an entry in ClinVar:

ClinVar aggregate classification (germline): Uncertain significance (1 of 4 stars; one submission).

Allele frequency attached by ClinVar (database versions not stated): gnomAD 0.00001; TOPMed 0.00001; ESP Exome Variant Server 0.00008.
gnomAD v4.1: 1 of 1,604,570 alleles (0.000062%); highest among the groups gnomAD compares: African/African-American, 0.0013%; no homozygotes.

Submission:

Labcorp Genetics (formerly Invitae), Labcorp
Classification: Uncertain significance. Last evaluated: 2022-07-12. Review status: criteria provided, single submitter. Criteria: Invitae Variant Classification Sherloc (09022015). Collection method: clinical testing. Allele origin: germline.
Comment: In summary, the available evidence is currently insufficient to determine the role of this variant in disease. Therefore, it has been classified as a Variant of Uncertain Significance. Algorithms developed to predict the effect of missense changes on protein structure and function (SIFT, PolyPhen-2, Align-GVGD) all suggest that this variant is likely to be tolerated. This sequence change replaces methionine, which is neutral and non-polar, with isoleucine, which is neutral and non-polar, at codon 585 of the IFT81 protein (p.Met585Ile). This variant is not present in population databases (gnomAD no frequency). This variant has not been reported in the literature in individuals affected with IFT81-related conditions. ClinVar contains an entry for this variant (Variation ID: 1025328).

NM_014055.4(IFT81):c.1755G>A (p.Met585Ile)

Gene: IFT81 (intraflagellar transport 81; plus strand). Cytogenetic location: 12q24.11.
Variant type: single nucleotide variant.
Coding change: c.1755G>A on transcript NM_014055.4 (MANE Select); coding-DNA position 1755, G replaced by A.
Protein change: p.Met585Ile; replaces methionine 585 with isoleucine.
Molecular consequence: missense variant. On other transcripts: non-coding transcript variant (4).
Genome position (GRCh38, 1-based): chr12:110,205,633, G>A. VCF-style: chr12-110205633-G-A. GRCh37 (hg19) VCF-style: chr12-110643438-G-A.
Other names: c.1755G>A, p.Met585Ile (NM_001143779.2); c.825G>A, p.Met275Ile (NM_001347947.2, NM_001347948.2); short protein forms M275I, M585I.
Identifiers: ClinVar variation 1025328 (VCV001025328.8), dbSNP rs373985387, ClinGen allele CA243932276.